The following is an entry in ClinVar:

NM_001184900.3(CARD8):c.963del (p.Tyr322fs)

Gene: CARD8 (caspase recruitment domain family member 8; minus strand). Cytogenetic location: 19q13.33.
Variant type: Deletion.
Coding change: c.963del on transcript NM_001184900.3 (MANE Select); coding-DNA position 963, one base deleted (C; older notation c.963delC).
Protein change: p.Tyr322fs; shifts the reading frame from tyrosine 322.
Molecular consequence: frameshift variant. On other transcripts: non-coding transcript variant (4).
Genome position (GRCh38, 1-based): chr19:48,230,510, G deleted on the plus strand (C on the coding strand, the reverse complement: CARD8 is on the minus strand). VCF-style (leftmost placement, unchanged base first): chr19-48230509-AG-A. GRCh37 (hg19) VCF-style: chr19-48733766-AG-A.
Other names: c.813del, p.Tyr272fs (NM_001184901.1, NM_001351783.2, NM_001351788.2 and 2 more transcripts); c.963del, p.Tyr322fs (NM_001184902.2, NM_001184903.1, NM_001351782.2); c.648del, p.Tyr217fs (NM_001351784.2, NM_001351787.2, NM_001351791.2 and 1 more transcripts); c.627del, p.Tyr210fs (NM_001351786.2); c.720del, p.Tyr241fs (NM_001351790.2); c.645del, p.Tyr216fs (NM_001365950.1); short protein forms Y216fs, Y322fs, Y241fs, Y210fs, Y217fs, Y272fs.
Identifiers: ClinVar variation 2129231 (VCV002129231.4), dbSNP rs879114785, ClinGen allele CA309289155.

ClinVar aggregate classification (germline): Uncertain significance (1 of 4 stars; one submission).

Allele frequency attached by ClinVar (database versions not stated): TOPMed below 0.00001.

Submission:

Labcorp Genetics (formerly Invitae), Labcorp
Classification: Uncertain significance. Last evaluated: 2022-08-31. Review status: criteria provided, single submitter. Criteria: Invitae Variant Classification Sherloc (09022015). Collection method: clinical testing. Allele origin: germline.
Comment: Experimental studies and prediction algorithms are not available or were not evaluated, and the functional significance of this variant is currently unknown. In summary, the available evidence is currently insufficient to determine the role of this variant in disease. Therefore, it has been classified as a Variant of Uncertain Significance. This variant has not been reported in the literature in individuals affected with CARD8-related conditions. This variant is not present in population databases (gnomAD no frequency). This sequence change creates a premature translational stop signal (p.Tyr272Ilefs*22) in the CARD8 gene. It is expected to result in an absent or disrupted protein product. However, the current clinical and genetic evidence is not sufficient to establish whether loss-of-function variants in CARD8 cause disease.